The following is an entry in ClinVar:

ClinVar aggregate classification (germline): Uncertain significance (3 of 4 stars; one submission).

Conditions:
Open-angle glaucoma. Identifiers: MedGen C0017612, MONDO:0005338, HP:0012108.

Submission:

ClinGen Glaucoma Variant Curation Expert Panel
Classification: Uncertain significance for Open-angle glaucoma. Last evaluated: 2026-01-20. Review status: reviewed by expert panel. Criteria: ClinGen Glaucoma ACMG Specifications V2.0.0 Approved. Collection method: curation. Allele origin: germline. Inheritance: Autosomal dominant inheritance.
Comment: The c.991T>A variant in MYOC is a missense variant predicted to cause substitution of Serine by Threonine at amino acid 331 (p.Ser331Thr). This variant was not found in any genetic ancestry group of gnomAD (v4.1.0), meeting the ≤ 0.0001 threshold set for PM2_Supporting in a genetic ancestry group of at least 10,000 alleles. The REVEL score = 0.543, which was neither above nor below the thresholds for PP3 (≥ 0.644) or BP4 (≤ 0.290), predicting a damaging or benign impact on MYOC function. There was no functional evidence predicting a damaging or benign impact of this variant on MYOC function. Only 1 proband with primary open angle glaucoma had been reported (PMID: 17417611), not meeting the ≥ 2 probands threshold required to meet PS4_Supporting. In summary, this variant met the criteria to receive a score of 1 and to be classified as a variant of uncertain significance (uncertain significance classification range -1 to 5, adapted from PMID: 32720330) for primary open angle glaucoma based on the ACMG/AMP criteria met, as specified by the ClinGen Glaucoma VCEP (v2.0.0, 5 Dec 2024): PM2_Supporting

NM_000261.2(MYOC):c.991T>A (p.Ser331Thr)

Gene: MYOC (myocilin; minus strand). Cytogenetic location: 1q24.3.
Variant type: single nucleotide variant.
Coding change: c.991T>A on transcript NM_000261.2 (MANE Select); coding-DNA position 991, T replaced by A.
Protein change: p.Ser331Thr; replaces serine 331 with threonine.
Molecular consequence: missense variant.
Genome position (GRCh38, 1-based): chr1:171,636,449, A>T on the plus strand (T>A on the coding strand, the complement: MYOC is on the minus strand). VCF-style: chr1-171636449-A-T. GRCh37 (hg19) VCF-style: chr1-171605589-A-T.
Other names: NM_000261.2:c.991T>A; short protein forms S331T.
Identifiers: ClinVar variation 2442271 (VCV002442271.2), dbSNP rs137853276, ClinGen allele CA32685841.